The following is an entry in ClinVar:

ClinVar aggregate classification (germline): Pathogenic/Likely pathogenic. Review status: criteria provided, multiple submitters, no conflicts (2 of 4 stars). 17 submissions from 15 submitters: Pathogenic (12); Likely pathogenic (1). 4 of the submissions do not count toward it. Last evaluated 2025-12-09.

Conditions:
Visceral myopathy 1 (VSCM1). Also called: Visceral myopathy; Infantile visceral myopathy; ACTG2 Visceral Myopathy. Identifiers: Orphanet 2604, MedGen C5542197, MONDO:0020754, OMIM 155310.
Megacystis-microcolon-intestinal hypoperistalsis syndrome 5. Identifiers: MedGen C5543636, MONDO:0030329, OMIM 619431.
ACTG2-related disorder. Also called: ACTG2-related condition.
Visceral neuropathy, familial, 3, autosomal dominant. Also called: ENTERIC NEUROPATHY, FAMILIAL; PSEUDOOBSTRUCTION, CHRONIC INTESTINAL, NEUROPATHIC; Visceral neuropathy, familial, autosomal dominant. Identifiers: Orphanet 2978, MedGen C1864996, MONDO:0012317, OMIM 609629.
Chronic intestinal pseudoobstruction. Also called: Chronic Intestinal Pseudoobstruction (CIPO). Identifiers: Orphanet 2978, MedGen C0238062, MONDO:0017574.
Constipation. Also called: Constipation disorder. Identifiers: MedGen C0009806, MONDO:0002203, HP:0002019.

Submissions (17):

Clinical Genetics Laboratory, University Hospital Schleswig-Holstein
Classification: Pathogenic for Visceral myopathy 1; Megacystis-microcolon-intestinal hypoperistalsis syndrome 5. Last evaluated: 2025-12-09. Review status: criteria provided, single submitter. Criteria: ACMG Guidelines, 2015. Collection method: clinical testing. Allele origin: germline. Affected: yes. Observed: 1 heterozygote.
Comment: ACMG criteria applied: PM2, PS4, PP3, PP2, PP1, PM6_Supporting, PP4

PreventionGenetics, part of Exact Sciences
Classification: Pathogenic for ACTG2-related condition. Last evaluated: 2025-09-10. Review status: criteria provided, single submitter. Criteria: ACMG Guidelines, 2015. Collection method: clinical testing. Allele origin: germline.
Comment: The ACTG2 c.119G>A variant is predicted to result in the amino acid substitution p.Arg40His. This variant has been reported in multiple individuals with megacystis-microcolon-intestinal hypoperistalsis syndrome (Wangler et al. 2014. PubMed ID: 24676022; Gabriel et al. 2021. PubMed ID: 34958143; Krabek et al. 2022. PubMed ID: 36509086; Geraghty et al. 2023. PubMed ID: 37288276). This variant was reported to segregate with disease in families (Fam34 in Wangler et al. 2014. PubMed ID: 24676022; Krabek et al. 2022. PubMed ID: 36509086) and has also been reported to arise apparently de novo (Supplemental Table 1, Gabriel et al. 2021. PubMed ID: 34958143; Fam12 in Wangler et al. 2014. PubMed ID: 24676022). This variant has not been reported in a large population database (gnomAD), indicating this variant is rare. Another missense variant affecting the same amino acid residue (c.118C>T, p.Arg40Cys) has also been reported to cause megacystis-microcolon-intestinal hypoperistalsis syndrome (Wangler et al. 2014. PubMed ID: 24676022; Halim et al. 2015. PubMed ID: 26647307). Taken together, the c.119G>A (p.Arg40His) variant is interpreted as pathogenic.

Clinical Genetics Laboratory, Skane University Hospital Lund
Classification: Pathogenic for Constipation. Last evaluated: 2024-09-03. Review status: criteria provided, single submitter. Criteria: ACMG Guidelines, 2015. Collection method: clinical testing. Allele origin: germline. Affected: yes.
Comment: PS3 (PMID 26647307), PS4, PM2, PM5, PP3

Blueprint Genetics
Classification: Pathogenic for ACTG2-related disorders. Last evaluated: 2024-07-02. Review status: criteria provided, single submitter. Criteria: ACMG Guidelines, 2015. Collection method: clinical testing. Allele origin: germline. Affected: yes. Observed: 1 variant allele.

GeneDx
Classification: Pathogenic. Last evaluated: 2023-06-02. Review status: criteria provided, single submitter. Criteria: GeneDx Variant Classification Process June 2021. Collection method: clinical testing. Allele origin: germline. Affected: yes.
Comment: Not observed at significant frequency in large population cohorts (gnomAD); In silico analysis supports that this missense variant has a deleterious effect on protein structure/function; This variant is associated with the following publications: (PMID: 34958143, 31216405, 31769566, 33294969, 36509086, 35695198, 29781137, 28422808, 24676022)

New York Genome Center
Classification: Pathogenic for Megacystis-microcolon-intestinal hypoperistalsis syndrome 5. Last evaluated: 2023-03-16. Review status: criteria provided, single submitter. Criteria: NYGC Assertion Criteria 2020. Collection method: clinical testing. Allele origin: inherited. Affected: yes. Observed: 1 heterozygote. Study: PrenatalSEQ. Segregation with disease observed.
Comment: The c.119G>A variant in ACTG2 has previously been reported in multiple affected individuals with ACTG2-related visceral myopathy, Megacystis-microcolon-intestinal hypoperistalsis syndrome (MMIHS) and intestinal pseudo-obstruction [PMID: 24676022, 28422808, 29781137, 33294969, 26647307] and found be segregated with disease in affected family members [PMID: 24676022]. The c.119G>A variant has been deposited in ClinVar [ClinVar ID: 132802] as Pathogenic/Likely Pathogenic and the variant is absent from population databases (gnomAD v2.1.1 and v3.1.2, TOPMed Freeze 8, All of Us), suggesting it is not a common benign variant in the populations represented in those databases. The c.119G>A variant in ACTG2 is located in exon 2 of this 9-exon gene and predicted to replace an evolutionarily conserved arginine amino acid with histidine at position 40 of the encoded protein. In silico predictions are in favor of damaging effect for p.(Arg40His) [(CADD v1.6 =25.7, REVEL =0.943)]; however, there are no functional studies to support or refute these predictions. Another missense substitution p.(Arg40Cys) affecting the same protein residue have been reported in the literature [PMID: 24676022, 26647307, 29781137] and ClinVar [ClinVar ID: 132799] in individuals with ACTG2 related disorders. Additionally p.Arg40 has been reported as one of the recurrent arginine substitutions in the ACTG2 and reported to be associated with mixed phenotypic severity and favorable clinical outcome in 6/8 examined individuals [PMID: 31769566]. Based on available evidence this inherited c.119G>A, p.(Arg40His) heterozygous variant identified in ACTG2 is classified Pathogenic.

CeGaT Center for Human Genetics Tuebingen
Classification: Pathogenic. Last evaluated: 2022-04-01. Review status: criteria provided, single submitter. Criteria: CeGaT Center For Human Genetics Tuebingen Variant Classification Criteria Version 2. Collection method: clinical testing. Allele origin: germline. Affected: yes. Observed: 2 variant alleles.
Comment: ACTG2: PS2:Very Strong, PM2, PP2, PP3

Fulgent Genetics
Classification: Likely pathogenic for Visceral myopathy 1; Megacystis-microcolon-intestinal hypoperistalsis syndrome 5. Last evaluated: 2021-12-20. Review status: criteria provided, single submitter. Criteria: ACMG Guidelines, 2015. Collection method: clinical testing. Allele origin: unknown.

Baylor Genetics
Classification: Pathogenic for Visceral myopathy 1. Last evaluated: 2018-10-12. Review status: criteria provided, single submitter. Criteria: ACMG Guidelines, 2015. Collection method: clinical testing. Allele origin: germline. Affected: yes.

Center for Human Genetics, Inc
Classification: Pathogenic for Visceral neuropathy, familial, autosomal dominant. Last evaluated: 2018-06-01. Review status: criteria provided, single submitter. Criteria: ACMG Guidelines, 2015. Collection method: clinical testing. Allele origin: germline. Affected: yes.

Center for Human Genetics, Inc
Classification: Pathogenic for Visceral myopathy 1. Last evaluated: 2016-08-01. Review status: criteria provided, single submitter. Criteria: ACMG Guidelines, 2015. Collection method: clinical testing. Allele origin: germline. Affected: yes.

Lupski Lab, Baylor-Hopkins CMG, Baylor College of Medicine
Classification: Pathogenic for Visceral myopathy 1. Last evaluated: 2014-03-27. Review status: criteria provided, single submitter. Criteria: Wangler et al. PLoS Gen 2014. Collection method: research, clinical testing. Allele origin: de novo, unknown, maternal, paternal. Inheritance: Autosomal dominant inheritance. Affected: yes. Observed: 6 heterozygotes. Study: MMIHS_WES. Segregation with disease observed.

Seattle Children's Hospital Molecular Genetics Laboratory, Seattle Children's Hospital
Classification: Pathogenic for Visceral myopathy 1. Review status: criteria provided, single submitter. Criteria: ACMG Guidelines, 2015. Collection method: clinical testing. Allele origin: germline. Affected: yes.
Comment: The p.Arg40His variant leads to a substitution of the arginine at amino acid position 40 with a histidine. This is a recurrent variant that has been reported in multiple unrelated individuals with megacystis microcolon intestinal hypoperistalsis syndrome (MMIHS) or chronic intestinal pseudo-obstruction with megacystis (CIPO-M) (PMID: 26072522, PMID: 31769566, PMID: 31216405, PMID: 33294969, PMID: 34958143, PMID: 24676022). The p.Arg40His is absent from large population studies (gnomAD v2.1.1). In silico tools predict the p.Arg40His variant to be damaging. Another variant at the same amino acid position (p.Arg40Cys) has been reported in multiple affected individuals (PMID: 34958143, PMID: 24676022, PMID: 26647307). Individuals with the p.Arg40His and p.Arg40Cys variants have been found to have a less severe clinical presentation and more favorable outcome in comparison to those with other ACTG2 pathogenic variants (PMID: 26072522, PMID: 31769566).

University of Washington Center for Mendelian Genomics, University of Washington
Classification: Pathogenic for Chronic intestinal pseudoobstruction. Last evaluated: 2017-05-25. Review status: no assertion criteria provided. Collection method: research. Allele origin: unknown. Affected: yes. Observed: 1 heterozygote. Not counted in ClinVar's aggregate classification.

OMIM
Classification: Pathogenic for VISCERAL MYOPATHY 1. Last evaluated: 2014-03-01. Review status: no assertion criteria provided. Collection method: literature only. Allele origin: germline. Not counted in ClinVar's aggregate classification.

OMIM
Classification: Pathogenic for MEGACYSTIS-MICROCOLON-INTESTINAL HYPOPERISTALSIS SYNDROME 5. Last evaluated: 2014-03-01. Review status: no assertion criteria provided. Collection method: literature only. Allele origin: germline. Not counted in ClinVar's aggregate classification.

GeneReviews
No classification provided. Condition: Visceral myopathy 1. Review status: no classification provided. Collection method: literature only. Allele origin: germline. Not counted in ClinVar's aggregate classification.
Comment: Favorable outcome for genotype-phenotype correlations

Literature cited by the submitters: PubMed 24676022 (cited by 3 submitters); PubMed 28422808 (cited by 3 submitters); PubMed 29781137 (cited by New York Genome Center and OMIM); PubMed 33294969 (cited by New York Genome Center and OMIM); PubMed 26647307 (cited by New York Genome Center); PubMed 25326635 (cited by Baylor Genetics); PubMed 31769566 (cited by GeneReviews); PubMed 26072522 (cited by GeneReviews).

NM_001615.4(ACTG2):c.119G>A (p.Arg40His)

Gene: ACTG2 (actin gamma 2, smooth muscle; plus strand). Cytogenetic location: 2p13.1.
Variant type: single nucleotide variant.
Coding change: c.119G>A on transcript NM_001615.4 (MANE Select); coding-DNA position 119, G replaced by A.
Protein change: p.Arg40His; replaces arginine 40 with histidine.
Molecular consequence: missense variant.
Genome position (GRCh38, 1-based): chr2:73,901,430, G>A. VCF-style: chr2-73901430-G-A. GRCh37 (hg19) VCF-style: chr2-74128557-G-A.
Other names: c.119G>A, p.Arg40His (NM_001199893.2); short protein forms R40H.
Identifiers: ClinVar variation 132802 (VCV000132802.56), dbSNP rs587777386, ClinGen allele CA332120.